The following is an entry in ClinVar:

ClinVar aggregate classification (germline): Likely pathogenic (1 of 4 stars; one submission).

Conditions:
TRIP11-related disorder. Also called: TRIP11-related condition; TRIP11-Related Disorders.

Allele frequency attached by ClinVar (database versions not stated): gnomAD exomes below 0.00001.
gnomAD v4.1: 1 of 1,614,122 alleles (0.000062%); highest among the groups gnomAD compares: African/African-American, 0.0013%; no homozygotes.

Submission:

PreventionGenetics, part of Exact Sciences
Classification: Likely pathogenic for TRIP11-related condition. Last evaluated: 2022-10-28. Review status: criteria provided, single submitter. Criteria: ACMG Guidelines, 2015. Collection method: clinical testing. Allele origin: germline.
Comment: The TRIP11 c.4036C>T variant is predicted to result in premature protein termination (p.Gln1346*). To our knowledge, this variant has not been reported in the literature or in a large population database, indicating this variant is rare. Nonsense variants in TRIP11 are expected to be pathogenic. This variant is interpreted as likely pathogenic.

NM_004239.4(TRIP11):c.4036C>T (p.Gln1346Ter)

Gene: TRIP11 (thyroid hormone receptor interactor 11; minus strand). Cytogenetic location: 14q32.12.
Variant type: single nucleotide variant.
Coding change: c.4036C>T on transcript NM_004239.4 (MANE Select); coding-DNA position 4036, C replaced by T.
Protein change: p.Gln1346Ter; replaces glutamine 1346 with a stop codon.
Molecular consequence: nonsense.
Genome position (GRCh38, 1-based): chr14:92,003,940, G>A on the plus strand (C>T on the coding strand, the complement: TRIP11 is on the minus strand). VCF-style: chr14-92003940-G-A. GRCh37 (hg19) VCF-style: chr14-92470284-G-A.
Other names: c.4033C>T, p.Gln1345Ter (NM_001321851.1); short protein forms Q1345*, Q1346*.
Identifiers: ClinVar variation 2635309 (VCV002635309.1), dbSNP rs2543025683, ClinGen allele CA390650683.
Genomic context (GRCh38, chr14:92,003,940, plus strand): 5'-GAGTTCTAATTGTTGCATCTTTTTCCTGTAGTGATTTTCTTAGCTCTTCTAACTCTTGCT[G>A]AAGCAATTCAGAAGATTCACTCAATACTTCAGACTTACTTGCTCTAAGACACTCTGCAGA-3'